The following is an entry in ClinVar:

ClinVar aggregate classification (germline): Uncertain significance (1 of 4 stars; one submission).

gnomAD v4.1: 6 of 1,612,974 alleles (0.00037%); highest among the groups gnomAD compares: Non-Finnish European, 0.00051%; no homozygotes.

Submission:

Ambry Genetics
Classification: Uncertain significance. Last evaluated: 2025-01-06. Review status: criteria provided, single submitter. Criteria: Ambry Variant Classification Scheme 2023. Collection method: clinical testing. Allele origin: germline.
Comment: The p.R1557Q variant (also known as c.4670G>A), located in coding exon 19 of the WNK2 gene, results from a G to A substitution at nucleotide position 4670. The arginine at codon 1557 is replaced by glutamine, an amino acid with highly similar properties. This amino acid position is conserved. In addition, the in silico prediction for this alteration is inconclusive. Based on the available evidence, the clinical significance of this variant remains unclear.

NM_006648.4(WNK2):c.4670G>A (p.Arg1557Gln)

Gene: WNK2 (WNK lysine deficient protein kinase 2; plus strand). Cytogenetic location: 9q22.31.
Variant type: single nucleotide variant.
Coding change: c.4670G>A on transcript NM_006648.4 (MANE Select); coding-DNA position 4670, G replaced by A.
Protein change: p.Arg1557Gln; replaces arginine 1557 with glutamine.
Molecular consequence: missense variant.
Genome position (GRCh38, 1-based): chr9:93,289,424, G>A. VCF-style: chr9-93289424-G-A. GRCh37 (hg19) VCF-style: chr9-96051706-G-A.
Other names: c.4781G>A, p.Arg1594Gln (NM_001282394.3); short protein forms R1557Q, R1594Q.
Identifiers: ClinVar variation 3816767 (VCV003816767.1).
Genomic context (GRCh38, chr9:93,289,424, plus strand): 5'-GGCCGCCCCCCAGGGTGGGCTTTGTGGACAGCACCATCAAGAGCCTGGACGAGAAGCTGC[G>A]GACTCTGCTCTACCAGGAGCACGTGCCCACCTCCTCAGCCTCAGCTGGGACCCCTGTGGA-3'
Protein context (NP_006639.3, residues 1547-1567): STIKSLDEKL[Arg1557Gln]TLLYQEHVPT